The following is an entry in ClinVar:

ClinVar aggregate classification (germline): Pathogenic (1 of 4 stars; one submission).

Allele frequency attached by ClinVar (database versions not stated): gnomAD exomes below 0.00001.
gnomAD v4.1: 1 of 1,613,912 alleles (0.000062%); no homozygotes.

Submission:

Labcorp Genetics (formerly Invitae), Labcorp
Classification: Pathogenic. Last evaluated: 2022-12-08. Review status: criteria provided, single submitter. Criteria: Invitae Variant Classification Sherloc (09022015). Collection method: clinical testing. Allele origin: germline.
Comment: For these reasons, this variant has been classified as Pathogenic. This variant has not been reported in the literature in individuals affected with CACNA1B-related conditions. This variant is not present in population databases (gnomAD no frequency). This sequence change creates a premature translational stop signal (p.Arg189*) in the CACNA1B gene. It is expected to result in an absent or disrupted protein product. Loss-of-function variants in CACNA1B are known to be pathogenic (PMID: 30982612).

Literature cited by the submitters: PubMed 30982612.

NM_000718.4(CACNA1B):c.565C>T (p.Arg189Ter)

Gene: CACNA1B (calcium voltage-gated channel subunit alpha1 B; plus strand). Cytogenetic location: 9q34.3.
Variant type: single nucleotide variant.
Coding change: c.565C>T on transcript NM_000718.4 (MANE Select); coding-DNA position 565, C replaced by T.
Protein change: p.Arg189Ter; replaces arginine 189 with a stop codon.
Molecular consequence: nonsense.
Genome position (GRCh38, 1-based): chr9:137,913,214, C>T. VCF-style: chr9-137913214-C-T. GRCh37 (hg19) VCF-style: chr9-140807666-C-T.
Other names: c.565C>T, p.Arg189Ter (NM_001243812.2); short protein forms R189*.
Identifiers: ClinVar variation 2055667 (VCV002055667.4), dbSNP rs2133277436, ClinGen allele CA375803298.